The following is an entry in ClinVar:

NM_152296.5(ATP1A3):c.2409C>T (p.Gly803=)

Gene: ATP1A3 (ATPase Na+/K+ transporting subunit alpha 3; minus strand). Cytogenetic location: 19q13.2.
Variant type: single nucleotide variant.
Coding change: c.2409C>T on transcript NM_152296.5 (MANE Select); coding-DNA position 2409, C replaced by T.
Protein change: p.Gly803=; no amino-acid change (glycine 803 retained).
Molecular consequence: synonymous variant.
Genome position (GRCh38, 1-based): chr19:41,970,397, G>A on the plus strand (C>T on the coding strand, the complement: ATP1A3 is on the minus strand). VCF-style: chr19-41970397-G-A. GRCh37 (hg19) VCF-style: chr19-42474549-G-A.
Other names: c.2442C>T, p.Gly814= (NM_001256213.2); c.2448C>T, p.Gly816= (NM_001256214.2).
Identifiers: ClinVar variation 4806527 (VCV004806527.1).

ClinVar aggregate classification (germline): Uncertain significance (1 of 4 stars; one submission).

Conditions:
Dystonia 12 (DYT12). Also called: DYT-ATP1A3; Rapid-Onset Dystonia-Parkinsonism (RDP). Identifiers: Orphanet 71517, MedGen C1868681, MONDO:0007496, OMIM 128235.

gnomAD v4.1: 5 of 1,614,236 alleles (0.00031%); highest among the groups gnomAD compares: South Asian, 0.0055%; no homozygotes.

Submission:

Labcorp Genetics (formerly Invitae), Labcorp
Classification: Uncertain significance for Dystonia 12. Last evaluated: 2025-11-10. Review status: criteria provided, single submitter. Criteria: Invitae Variant Classification Sherloc (09022015). Collection method: clinical testing. Allele origin: germline.
Comment: This sequence change affects codon 803 of the ATP1A3 mRNA. It is a 'silent' change, meaning that it does not change the encoded amino acid sequence of the ATP1A3 protein. This variant is present in population databases (rs781856091, gnomAD 0.01%). This variant has not been reported in the literature in individuals affected with ATP1A3-related conditions. Algorithms developed to predict the effect of sequence changes on RNA splicing suggest that this variant may create or strengthen a splice site. In summary, the available evidence is currently insufficient to determine the role of this variant in disease. Therefore, it has been classified as a Variant of Uncertain Significance.